The following is an entry in ClinVar:

NM_014009.4(FOXP3):c.1270_1272delinsC (p.Cys424fs)

Gene: FOXP3 (forkhead box P3; minus strand). Cytogenetic location: Xp11.23.
Variant type: Indel.
Coding change: c.1270_1272delinsC on transcript NM_014009.4 (MANE Select); coding-DNA positions 1270 to 1272, TGT replaced by C.
Protein change: p.Cys424fs; shifts the reading frame from cysteine 424.
Molecular consequence: frameshift variant.
Genome position (GRCh38, 1-based): chrX:49,251,358-49,251,360, ACA replaced by G on the plus strand (TGT replaced by C on the coding strand, the reverse complement: FOXP3 is on the minus strand). VCF-style: chrX-49251358-ACA-G. GRCh37 (hg19) VCF-style: chrX-49107819-ACA-G.
Other names: c.1165_1167delinsC, p.Cys389fs (NM_001114377.2); short protein forms C389fs, C424fs.
Identifiers: ClinVar variation 569686 (VCV000569686.5), dbSNP rs1569529565, ClinGen allele CA891843657.
Genomic context (GRCh38, chrX:49,251,358, plus strand): 5'-CCCTGTTCGTCCATCCTCCTTTCCTTGATCTTGAGGTCAGGGGCCAGGTGTAGGGTTGGA[ACA>G]CCTGCTGGGCCTCTGGCTCCGTTTCTTGCGGAACTCCAGCTCATCCACGGTCCACACAGC-3'

ClinVar aggregate classification (germline): Likely pathogenic (1 of 4 stars; one submission).

Conditions:
Insulin-dependent diabetes mellitus secretory diarrhea syndrome (IPEX). Also called: Immune dysregulation-polyendocrinopathy-enteropathy-X-linked syndrome; IMMUNODEFICIENCY, POLYENDOCRINOPATHY, AND ENTEROPATHY, X-LINKED; X-Linked Autoimmunity-Allergic Dysregulation Syndrome; DIABETES MELLITUS, CONGENITAL INSULIN-DEPENDENT, WITH FATAL SECRETORY DIARRHEA; DIARRHEA, POLYENDOCRINOPATHY, FATAL INFECTION SYNDROME, X-LINKED; ENTEROPATHY, AUTOIMMUNE, WITH HEMOLYTIC ANEMIA AND POLYENDOCRINOPATHY. Identifiers: Orphanet 37042, MedGen C0342288, MONDO:0010580, OMIM 304790. Disease mechanism: loss of function.

Submission:

Labcorp Genetics (formerly Invitae), Labcorp
Classification: Likely pathogenic for Insulin-dependent diabetes mellitus secretory diarrhea syndrome. Last evaluated: 2018-04-25. Review status: criteria provided, single submitter. Criteria: Invitae Variant Classification Sherloc (09022015). Collection method: clinical testing. Allele origin: germline.
Comment: This variant has not been reported in the literature in individuals with FOXP3-related disease. Other frameshift variants c.1293_1294delCT (p.*432Thrext*25) and c.1290_*12delinsTG (p.Pro431delins21) that lie downstream of this variant and result in a similarly extended protein product have been reported in individuals affected with IPEX syndrome (PMID: 11137993, 11137992). These variants are also known as 1481_1482delCT and del1290-1309/insTGG in the literature. In summary, the currently available evidence indicates that the variant is pathogenic, but additional data are needed to prove that conclusively. Therefore, this variant has been classified as Likely Pathogenic. This variant is not present in population databases (ExAC no frequency). This sequence change results in a frameshift in the FOXP3 gene (p.Cys424Phefs*34) which disrupts the translational stop signal of the FOXP3 mRNA. It is expected to extend the length of the FOXP3 protein by 25 additional amino acid residues.

Literature cited by the submitters: PubMed 11137993; PubMed 11137992.